The following is an entry in ClinVar:

ClinVar aggregate classification (germline): Uncertain significance (1 of 4 stars; one submission).

Conditions:
Hereditary cancer-predisposing syndrome. Also called: Tumor predisposition; Hereditary Cancer Syndrome; Hereditary neoplastic syndrome; Neoplastic Syndromes, Hereditary. Identifiers: Orphanet 140162, MedGen C0027672, MeSH D009386, MONDO:0015356.

gnomAD v4.1: 2 of 1,612,956 alleles (0.00012%); highest among the groups gnomAD compares: African/African-American, 0.0027%; no homozygotes.

Submission:

Ambry Genetics
Classification: Uncertain significance for Hereditary cancer-predisposing syndrome. Last evaluated: 2025-08-11. Review status: criteria provided, single submitter. Criteria: Ambry Variant Classification Scheme 2023. Collection method: clinical testing. Allele origin: germline.
Comment: The p.S365I variant (also known as c.1094G>T), located in coding exon 10 of the PMS2 gene, results from a G to T substitution at nucleotide position 1094. The serine at codon 365 is replaced by isoleucine, an amino acid with dissimilar properties. This amino acid position is poorly conserved in available vertebrate species. In addition, the in silico prediction for this alteration is inconclusive. Since supporting evidence is limited at this time, the clinical significance of this alteration remains unclear.

NM_000535.7(PMS2):c.1094G>T (p.Ser365Ile)

Gene: PMS2 (PMS1 homolog 2, mismatch repair system component; minus strand). Cytogenetic location: 7p22.1.
Variant type: single nucleotide variant.
Coding change: c.1094G>T on transcript NM_000535.7 (MANE Select); coding-DNA position 1094, G replaced by T.
Protein change: p.Ser365Ile; replaces serine 365 with isoleucine.
Molecular consequence: missense variant. On other transcripts: non-coding transcript variant (1), intron variant (2).
Genome position (GRCh38, 1-based): chr7:5,989,850, C>A on the plus strand (G>T on the coding strand, the complement: PMS2 is on the minus strand). VCF-style: chr7-5989850-C-A. GRCh37 (hg19) VCF-style: chr7-6029481-C-A.
Other names: c.689G>T, p.Ser230Ile (NM_001322003.2, NM_001322004.2, NM_001322005.2 and 1 more transcripts); c.776G>T, p.Ser259Ile (NM_001322007.2, NM_001322008.2); c.161G>T, p.Ser54Ile (NM_001322011.2, NM_001322012.2); c.521G>T, p.Ser174Ile (NM_001322013.2); c.1094G>T, p.Ser365Ile (NM_001322014.2); c.785G>T, p.Ser262Ile (NM_001322015.2); c.583+2123G>T (NM_001322010.2); c.988+2123G>T (NM_001322006.2); short protein forms S365I, S230I, S259I, S54I, S174I, S262I.
Identifiers: ClinVar variation 486941 (VCV000486941.7), dbSNP rs1554298690, ClinGen allele CA366742820.